The following is an entry in ClinVar:

ClinVar aggregate classification (germline): Uncertain significance. Review status: criteria provided, multiple submitters, no conflicts (2 of 4 stars). 5 submissions from 5 submitters: Uncertain significance (5). Last evaluated 2025-07-15.

Conditions:
Ataxia-telangiectasia-like disorder (ATLD). Identifiers: MedGen C1858391, MONDO:0011457.
Hereditary cancer-predisposing syndrome. Also called: Hereditary neoplastic syndrome; Tumor predisposition; Hereditary Cancer Syndrome; Neoplastic Syndromes, Hereditary. Identifiers: Orphanet 140162, MedGen C0027672, MeSH D009386, MONDO:0015356.
Hereditary breast ovarian cancer syndrome. Also called: BRCA1- and BRCA2-Associated Hereditary Breast and Ovarian Cancer; Hereditary breast and ovarian cancer syndrome (HBOC); Hereditary breast and/or ovarian cancer syndrome; Hereditary breast and ovarian cancer syndrome; Hereditary breast and ovarian cancer; Breast and ovarian cancer. Identifiers: Orphanet 145, MedGen C0677776, MeSH D061325, MONDO:0003582. Disease mechanism: loss of function.
Ataxia-telangiectasia-like disorder 1 (ATLD1). Identifiers: Orphanet 251347, MedGen C4012790, MONDO:0024557, OMIM 604391.

Allele frequency attached by ClinVar (database versions not stated): ExAC 0.00001; gnomAD exomes 0.00002; TOPMed 0.00002; gnomAD 0.00003.
gnomAD v4.1: 30 of 1,612,366 alleles (0.0019%); highest among the groups gnomAD compares: East Asian, 0.022%; no homozygotes.

Submissions (5):

GeneDx
Classification: Uncertain significance. Last evaluated: 2025-07-15. Review status: criteria provided, single submitter. Criteria: GeneDx Variant Classification Process June 2021. Collection method: clinical testing. Allele origin: germline. Affected: yes.
Comment: Reported as a germline variant in one individual from a cohort of patients with Hereditary Breast and Ovarian Cancer (HBOC) or Hereditary Nonpolyposis Colorectal Cancer (HNPCC); however, further clinical information was not provided (PMID: 32522261); Not observed at significant frequency in large population cohorts (gnomAD); In silico analysis suggests that this missense variant does not alter protein structure/function; This variant is associated with the following publications: (PMID: 32522261)

Ambry Genetics
Classification: Uncertain significance for Hereditary cancer-predisposing syndrome. Last evaluated: 2024-10-11. Review status: criteria provided, single submitter. Criteria: Ambry Variant Classification Scheme 2023. Collection method: clinical testing. Allele origin: germline.
Comment: The p.R503H variant (also known as c.1508G>A), located in coding exon 13 of the MRE11A gene, results from a G to A substitution at nucleotide position 1508. The arginine at codon 503 is replaced by histidine, an amino acid with highly similar properties. This amino acid position is not well conserved in available vertebrate species. In addition, this alteration is predicted to be tolerated by in silico analysis. Based on the available evidence, the clinical significance of this variant remains unclear.

Baylor Genetics
Classification: Uncertain significance for Ataxia-telangiectasia-like disorder 1. Last evaluated: 2023-10-02. Review status: criteria provided, single submitter. Criteria: ACMG Guidelines, 2015. Collection method: clinical testing. Allele origin: unknown.

Labcorp Genetics (formerly Invitae), Labcorp
Classification: Uncertain significance for Ataxia-telangiectasia-like disorder. Last evaluated: 2022-03-14. Review status: criteria provided, single submitter. Criteria: Invitae Variant Classification Sherloc (09022015). Collection method: clinical testing. Allele origin: germline.
Comment: This sequence change replaces arginine, which is basic and polar, with histidine, which is basic and polar, at codon 503 of the MRE11 protein (p.Arg503His). This variant is present in population databases (rs774057024, gnomAD 0.01%). This variant has not been reported in the literature in individuals affected with MRE11-related conditions. ClinVar contains an entry for this variant (Variation ID: 220556). Algorithms developed to predict the effect of missense changes on protein structure and function are either unavailable or do not agree on the potential impact of this missense change (SIFT: "Deleterious"; PolyPhen-2: "Benign"; Align-GVGD: "Class C0"). In summary, the available evidence is currently insufficient to determine the role of this variant in disease. Therefore, it has been classified as a Variant of Uncertain Significance.

Cancer Genomics Group, Japanese Foundation For Cancer Research
Classification: Uncertain significance for Hereditary breast and ovarian cancer syndrome. Last evaluated: 2019-05-01. Review status: criteria provided, single submitter. Criteria: ACMG Guidelines, 2015. Collection method: research. Allele origin: germline. Affected: yes.

Literature cited by the submitters: PubMed 24093751 (cited by Ambry Genetics).

NM_005591.4(MRE11):c.1508G>A (p.Arg503His)

Gene: MRE11 (MRE11 double strand break repair nuclease; minus strand). Cytogenetic location: 11q21.
Variant type: single nucleotide variant.
Coding change: c.1508G>A on transcript NM_005591.4 (MANE Select); coding-DNA position 1508, G replaced by A.
Protein change: p.Arg503His; replaces arginine 503 with histidine.
Molecular consequence: missense variant.
Genome position (GRCh38, 1-based): chr11:94,456,331, C>T on the plus strand (G>A on the coding strand, the complement: MRE11 is on the minus strand). VCF-style: chr11-94456331-C-T. GRCh37 (hg19) VCF-style: chr11-94189497-C-T.
Other names: c.1508G>A, p.Arg503His (NM_001330347.2, NM_005590.4); short protein forms R503H.
Identifiers: ClinVar variation 220556 (VCV000220556.15), dbSNP rs774057024, ClinGen allele CA349024.